The following is an entry in ClinVar:

NM_001142416.2(AIMP1):c.716T>C (p.Leu239Ser)

Gene: AIMP1 (aminoacyl tRNA synthetase complex interacting multifunctional protein 1; plus strand). Cytogenetic location: 4q24.
Variant type: single nucleotide variant.
Coding change: c.716T>C on transcript NM_001142416.2 (MANE Select); coding-DNA position 716, T replaced by C.
Protein change: p.Leu239Ser; replaces leucine 239 with serine.
Molecular consequence: missense variant.
Genome position (GRCh38, 1-based): chr4:106,336,981, T>C. VCF-style: chr4-106336981-T-C. GRCh37 (hg19) VCF-style: chr4-107258138-T-C.
Other names: c.716T>C, p.Leu239Ser (NM_001142415.2, NM_004757.4); short protein forms L239S.
Identifiers: ClinVar variation 2584934 (VCV002584934.1), dbSNP rs1329842483, ClinGen allele CA357974504.
Genomic context (GRCh38, chr4:106,336,981, plus strand): 5'-GGGGAGTATTATCTCAAGCAATGGTCATGTGTGCTAGTTCACCAGAGAAAATTGAAATCT[T>C]GGCTCCTCCAAATGGGTCTGTTCCTGGAGACAGAATTACTTTTGATGCTTTCCCAGGTAG-3'
Protein context (NP_001135888.2, residues 229-249): CASSPEKIEI[Leu239Ser]APPNGSVPGD

ClinVar aggregate classification (germline): Uncertain significance (1 of 4 stars; one submission).

Conditions:
Leukodystrophy, hypomyelinating, 3. Identifiers: Orphanet 280270, Orphanet 280293, MedGen C1850053, MONDO:0009843, OMIM 260600.

Allele frequency attached by ClinVar (database versions not stated): gnomAD exomes below 0.00001; TOPMed below 0.00001; gnomAD 0.00001.

Submission:

Neuberg Centre For Genomic Medicine, NCGM
Classification: Uncertain significance for Leukodystrophy, hypomyelinating, 3. Review status: criteria provided, single submitter. Criteria: ACMG Guidelines, 2015. Collection method: clinical testing. Allele origin: germline. Inheritance: Autosomal recessive inheritance. Affected: yes.
Comment: The missense variant c.716T>C (p.Leu239Ser) in AIMP1 gene has not been reported previously as a pathogenic variant nor as a benign variant, to our knowledge. The p.Leu239Ser variant is novel (not in any individuals) in gnomAD Exomes and 1000 Genomes. The amino acid Leu at position 239 is changed to a Ser changing protein sequence and it might alter its composition and physico-chemical properties. The amino acid change p.Leu239Ser in AIMP1 is predicted as conserved by GERP++ and PhyloP across 100 vertebrates. For these reasons, this variant has been classified as Uncertain Significance.